The following is an entry in ClinVar:

ClinVar aggregate classification (germline): Uncertain significance. Review status: criteria provided, multiple submitters, no conflicts (2 of 4 stars). 2 submissions from 2 submitters: Uncertain significance (2). Last evaluated 2025-05-22.

Conditions:
Mitochondrial complex II deficiency, nuclear type 1. Also called: SUCCINATE CoQ REDUCTASE DEFICIENCY. Identifiers: Orphanet 3208, MedGen C5700310, MONDO:0100294, OMIM 252011.
Pheochromocytoma/paraganglioma syndrome 5. Also called: Paragangliomas 5; SDHA-Related Hereditary Paraganglioma-Pheochromocytoma Syndrome. Identifiers: Orphanet 29072, MedGen C3279992, MONDO:0013602, OMIM 614165.
Hereditary cancer-predisposing syndrome. Also called: Neoplastic Syndromes, Hereditary; Tumor predisposition; Hereditary neoplastic syndrome; Hereditary Cancer Syndrome. Identifiers: Orphanet 140162, MedGen C0027672, MeSH D009386, MONDO:0015356.

Submissions (2):

Ambry Genetics
Classification: Uncertain significance for Hereditary cancer-predisposing syndrome. Last evaluated: 2025-05-22. Review status: criteria provided, single submitter. Criteria: Ambry Variant Classification Scheme 2023. Collection method: clinical testing. Allele origin: germline.
Comment: The p.A338V variant (also known as c.1013C>T), located in coding exon 8 of the SDHA gene, results from a C to T substitution at nucleotide position 1013. The alanine at codon 338 is replaced by valine, an amino acid with similar properties. This amino acid position is highly conserved in available vertebrate species. In addition, this alteration is predicted to be deleterious by in silico analysis. Based on the available evidence, the clinical significance of this variant remains unclear.

Labcorp Genetics (formerly Invitae), Labcorp
Classification: Uncertain significance for Pheochromocytoma/paraganglioma syndrome 5; Mitochondrial complex II deficiency, nuclear type 1. Last evaluated: 2023-05-05. Review status: criteria provided, single submitter. Criteria: Invitae Variant Classification Sherloc (09022015). Collection method: clinical testing. Allele origin: germline.
Comment: In summary, the available evidence is currently insufficient to determine the role of this variant in disease. Therefore, it has been classified as a Variant of Uncertain Significance. Advanced modeling of protein sequence and biophysical properties (such as structural, functional, and spatial information, amino acid conservation, physicochemical variation, residue mobility, and thermodynamic stability) has been performed at Invitae for this missense variant, however the output from this modeling did not meet the statistical confidence thresholds required to predict the impact of this variant on SDHA protein function. ClinVar contains an entry for this variant (Variation ID: 582739). This variant has not been reported in the literature in individuals affected with SDHA-related conditions. This variant is not present in population databases (gnomAD no frequency). This sequence change replaces alanine, which is neutral and non-polar, with valine, which is neutral and non-polar, at codon 338 of the SDHA protein (p.Ala338Val).

NM_004168.4(SDHA):c.1013C>T (p.Ala338Val)

Gene: SDHA (succinate dehydrogenase complex flavoprotein subunit A; plus strand). Cytogenetic location: 5p15.33.
Variant type: single nucleotide variant.
Coding change: c.1013C>T on transcript NM_004168.4 (MANE Select); coding-DNA position 1013, C replaced by T.
Protein change: p.Ala338Val; replaces alanine 338 with valine.
Molecular consequence: missense variant.
Genome position (GRCh38, 1-based): chr5:233,594, C>T. VCF-style: chr5-233594-C-T. GRCh37 (hg19) VCF-style: chr5-233709-C-T.
Other names: c.1013C>T (NM_004168.2); c.869C>T, p.Ala290Val (NM_001294332.2); c.1013C>T, p.Ala338Val (NM_001330758.2); short protein forms A338V, A290V.
Identifiers: ClinVar variation 582739 (VCV000582739.11), dbSNP rs1560994866, ClinGen allele CA359012867.
Genomic context (GRCh38, chr5:233,594, plus strand): 5'-TCATTAACAGTCAAGGCGAAAGGTTTATGGAGCGATACGCCCCTGTCGCGAAGGACCTGG[C>T]GTCTAGAGATGTGGTGTCTCGGTCCATGACTCTGGAGATCCGAGAAGGAAGGTGCGTGTG-3'
Protein context (NP_004159.2, residues 328-348): ERYAPVAKDL[Ala338Val]SRDVVSRSMT